The following is an entry in ClinVar:

ClinVar aggregate classification (germline): Uncertain significance (1 of 4 stars; one submission).

Conditions:
Immunodeficiency 132A. Also called: Herpes simplex encephalitis, susceptibility to, 3. Identifiers: Orphanet 1930, MedGen C3553868, MONDO:0013920, OMIM 614849.

Allele frequency attached by ClinVar (database versions not stated): gnomAD 0.00001; gnomAD exomes 0.00001; ExAC 0.00001.

Submission:

Labcorp Genetics (formerly Invitae), Labcorp
Classification: Uncertain significance for Immunodeficiency 132A. Last evaluated: 2025-06-25. Review status: criteria provided, single submitter. Criteria: Invitae Variant Classification Sherloc (09022015). Collection method: clinical testing. Allele origin: germline.
Comment: This sequence change replaces glutamic acid, which is acidic and polar, with lysine, which is basic and polar, at codon 217 of the TRAF3 protein (p.Glu217Lys). This variant is present in population databases (rs767477821, gnomAD 0.003%). This variant has not been reported in the literature in individuals affected with TRAF3-related conditions. ClinVar contains an entry for this variant (Variation ID: 1496483). An algorithm developed to predict the effect of missense changes on protein structure and function (PolyPhen-2) suggests that this variant is likely to be disruptive. In summary, the available evidence is currently insufficient to determine the role of this variant in disease. Therefore, it has been classified as a Variant of Uncertain Significance.

NM_145725.3(TRAF3):c.649G>A (p.Glu217Lys)

Genes: TRAF3 (TNF receptor associated factor 3; plus strand), LOC126862065 (BRD4-independent group 4 enhancer GRCh37_chr14:103352003-103353202; plus strand). Cytogenetic location: 14q32.32.
Variant type: single nucleotide variant.
Coding change: c.649G>A on transcript NM_145725.3 (MANE Select); coding-DNA position 649, G replaced by A.
Protein change: p.Glu217Lys; replaces glutamic acid 217 with lysine.
Molecular consequence: missense variant. On other transcripts: intron variant (2).
Genome position (GRCh38, 1-based): chr14:102,886,267, G>A. VCF-style: chr14-102886267-G-A. GRCh37 (hg19) VCF-style: chr14-103352604-G-A.
Other names: c.649G>A, p.Glu217Lys (NM_001385142.1, NM_003300.4, NM_145726.3); c.571-3293G>A (NM_001385143.1); c.570+9742G>A (NM_001199427.2); short protein forms E217K.
Identifiers: ClinVar variation 1496483 (VCV001496483.8), dbSNP rs767477821, ClinGen allele CA7359329.